The following is an entry in ClinVar:

ClinVar aggregate classification (germline): Likely benign. Review status: criteria provided, multiple submitters, no conflicts (2 of 4 stars). 3 submissions from 3 submitters: Likely benign (3). Last evaluated 2024-07-16.

Conditions:
Hereditary cancer-predisposing syndrome. Also called: Hereditary Cancer Syndrome; Hereditary neoplastic syndrome; Neoplastic Syndromes, Hereditary; Tumor predisposition. Identifiers: Orphanet 140162, MedGen C0027672, MeSH D009386, MONDO:0015356.
Hereditary breast ovarian cancer syndrome. Also called: Hereditary breast and ovarian cancer syndrome; Hereditary breast and ovarian cancer; Breast and ovarian cancer; BRCA1- and BRCA2-Associated Hereditary Breast and Ovarian Cancer; Hereditary breast and/or ovarian cancer syndrome; Hereditary breast and ovarian cancer syndrome (HBOC). Identifiers: Orphanet 145, MedGen C0677776, MeSH D061325, MONDO:0003582. Disease mechanism: loss of function.

gnomAD v4.1: 2 of 1,611,330 alleles (0.00012%); highest among the groups gnomAD compares: African/African-American, 0.0027%; no homozygotes.

Submissions (3):

Labcorp Genetics (formerly Invitae), Labcorp
Classification: Likely benign for Hereditary breast ovarian cancer syndrome. Last evaluated: 2024-07-16. Review status: criteria provided, single submitter. Criteria: Invitae Variant Classification Sherloc (09022015). Collection method: clinical testing. Allele origin: germline.

GeneDx
Classification: Likely benign. Last evaluated: 2016-07-14. Review status: criteria provided, single submitter. Criteria: GeneDx Variant Classification (06012015). Collection method: clinical testing. Allele origin: germline. Affected: yes.
Comment: This variant is considered likely benign or benign based on one or more of the following criteria: it is a conservative change, it occurs at a poorly conserved position in the protein, it is predicted to be benign by multiple in silico algorithms, and/or has population frequency not consistent with disease.

Color Diagnostics, LLC DBA Color Health
Classification: Likely benign for Hereditary cancer-predisposing syndrome. Last evaluated: 2016-07-11. Review status: criteria provided, single submitter. Criteria: ACMG Guidelines, 2015. Collection method: clinical testing. Allele origin: germline.

NM_000059.4(BRCA2):c.7805+10G>T

Gene: BRCA2 (BRCA2 DNA repair associated; plus strand). Cytogenetic location: 13q13.1.
Variant type: single nucleotide variant.
Coding change: c.7805+10G>T on transcript NM_000059.4 (MANE Select); 10 bases into the intron after coding-DNA position 7805, G replaced by T.
Molecular consequence: intron variant.
Genome position (GRCh38, 1-based): chr13:32,357,939, G>T. VCF-style: chr13-32357939-G-T. GRCh37 (hg19) VCF-style: chr13-32932076-G-T.
Identifiers: ClinVar variation 383560 (VCV000383560.14), dbSNP rs1057521672, ClinGen allele CA16606817.